The following is an entry in ClinVar:

ClinVar aggregate classification (germline): Pathogenic (1 of 4 stars; one submission).

Submission:

GeneDx
Classification: Pathogenic. Last evaluated: 2019-06-21. Review status: criteria provided, single submitter. Criteria: GeneDx Variant Classification (06012015). Collection method: clinical testing. Allele origin: germline. Affected: yes.
Comment: Founder mutation in the Ashkenazi Jewish population which is observed in homozygous state in multiple unrelated patients in published literature (Tucker et al., 2011; Berzoykin et al., 2015), and not observed in homozygous state in controls. Mobile insertion element that consists of Alu sequence that is 353 base pairs in length, also described as c.1284_1285ins353 or c.428_429ins353 in the literature. Published functional studies demonstrate a damaging effect (loss of retina-specific isoform of MAK) (Tucker et al., 2011). Not observed in large population cohorts (Database of Genomic Variants). We interpret this as a Pathogenic Variant.

NM_001242957.1:c.1297_1298insAlu

Gene: MAK (male germ cell associated kinase; minus strand). Cytogenetic location: 6p24.2.
Variant type: Insertion.
Identifiers: ClinVar variation 800737 (VCV000800737.1).